The following is an entry in ClinVar:

NM_022124.6(CDH23):c.5465G>A (p.Cys1822Tyr)

Gene: CDH23 (cadherin related 23; plus strand). Cytogenetic location: 10q22.1.
Variant type: single nucleotide variant.
Coding change: c.5465G>A on transcript NM_022124.6 (MANE Select); coding-DNA position 5465, G replaced by A.
Protein change: p.Cys1822Tyr; replaces cysteine 1822 with tyrosine.
Molecular consequence: missense variant.
Genome position (GRCh38, 1-based): chr10:71,784,383, G>A. VCF-style: chr10-71784383-G-A. GRCh37 (hg19) VCF-style: chr10-73544140-G-A.
Other names: short protein forms C1822Y.
Identifiers: ClinVar variation 1448187 (VCV001448187.6), dbSNP rs1200284846, ClinGen allele CA377145240.
Genomic context (GRCh38, chr10:71,784,383, plus strand): 5'-GGGTCCGGAAGGACGTGGAGCTGGACCGGGAGACCATCGCCTTCTACAACCTGACCATCT[G>A]TGCCCGTGACCGGGGGATGCCCCCACTCAGCTCCACAGTGAGTCTGGGGGCCCCACCCGC-3'
Protein context (NP_071407.4, residues 1812-1832): ETIAFYNLTI[Cys1822Tyr]ARDRGMPPLS

ClinVar aggregate classification (germline): Uncertain significance (1 of 4 stars; one submission).

Allele frequency attached by ClinVar (database versions not stated): gnomAD exomes below 0.00001; gnomAD 0.00001.
gnomAD v4.1: 4 of 1,613,794 alleles (0.00025%); highest among the groups gnomAD compares: South Asian, 0.0033%; no homozygotes.

Submission:

Labcorp Genetics (formerly Invitae), Labcorp
Classification: Uncertain significance. Last evaluated: 2022-07-05. Review status: criteria provided, single submitter. Criteria: Invitae Variant Classification Sherloc (09022015). Collection method: clinical testing. Allele origin: germline.
Comment: This sequence change replaces cysteine, which is neutral and slightly polar, with tyrosine, which is neutral and polar, at codon 1822 of the CDH23 protein (p.Cys1822Tyr). This variant is not present in population databases (gnomAD no frequency). This variant has not been reported in the literature in individuals affected with CDH23-related conditions. ClinVar contains an entry for this variant (Variation ID: 1448187). Algorithms developed to predict the effect of missense changes on protein structure and function are either unavailable or do not agree on the potential impact of this missense change (SIFT: "Deleterious"; PolyPhen-2: "Not Available"; Align-GVGD: "Class C0"). In summary, the available evidence is currently insufficient to determine the role of this variant in disease. Therefore, it has been classified as a Variant of Uncertain Significance.